The following is an entry in ClinVar:

NM_004104.5(FASN):c.824C>T (p.Ser275Leu)

Gene: FASN (fatty acid synthase; minus strand). Cytogenetic location: 17q25.3.
Variant type: single nucleotide variant.
Coding change: c.824C>T on transcript NM_004104.5 (MANE Select); coding-DNA position 824, C replaced by T.
Protein change: p.Ser275Leu; replaces serine 275 with leucine.
Molecular consequence: missense variant.
Genome position (GRCh38, 1-based): chr17:82,092,767, G>A on the plus strand (C>T on the coding strand, the complement: FASN is on the minus strand). VCF-style: chr17-82092767-G-A. GRCh37 (hg19) VCF-style: chr17-80050643-G-A.
Other names: short protein forms S275L.
Identifiers: ClinVar variation 1059730 (VCV001059730.9), dbSNP rs140748143, ClinGen allele CA8853371.
Genomic context (GRCh38, chr17:82,092,767, plus strand): 5'-GTGCCGTGGGCTTCGATGTATTCAAATGACTCAGGGGCCACTCCGGCCGACTGGTACAAC[G>A]AGCGGATGAGCTGCTCCTGGATATCCCCTGAGGGGAAGGTCACGCCTGCGGAGGGCTCGG-3'
Protein context (NP_004095.4, residues 265-285): SGDIQEQLIR[Ser275Leu]LYQSAGVAPE

ClinVar aggregate classification (germline): Uncertain significance (1 of 4 stars; one submission).

Conditions:
Epileptic encephalopathy. Identifiers: MedGen C0543888, HP:0200134.

Allele frequency attached by ClinVar (database versions not stated): gnomAD exomes 0.00002; ExAC 0.00005; ESP Exome Variant Server 0.00008.

Submission:

Labcorp Genetics (formerly Invitae), Labcorp
Classification: Uncertain significance for Epileptic encephalopathy. Last evaluated: 2024-10-21. Review status: criteria provided, single submitter. Criteria: Invitae Variant Classification Sherloc (09022015). Collection method: clinical testing. Allele origin: germline.
Comment: This sequence change replaces serine, which is neutral and polar, with leucine, which is neutral and non-polar, at codon 275 of the FASN protein (p.Ser275Leu). This variant is present in population databases (rs140748143, gnomAD 0.01%). This variant has not been reported in the literature in individuals affected with FASN-related conditions. ClinVar contains an entry for this variant (Variation ID: 1059730). An algorithm developed to predict the effect of missense changes on protein structure and function (PolyPhen-2) suggests that this variant is likely to be tolerated. In summary, the available evidence is currently insufficient to determine the role of this variant in disease. Therefore, it has been classified as a Variant of Uncertain Significance.